The following is an entry in ClinVar:

NM_001165963.4(SCN1A):c.1118T>A (p.Leu373Ter)

Gene: SCN1A (sodium voltage-gated channel alpha subunit 1; minus strand). Cytogenetic location: 2q24.3.
Variant type: single nucleotide variant.
Coding change: c.1118T>A on transcript NM_001165963.4 (MANE Select); coding-DNA position 1118, T replaced by A.
Protein change: p.Leu373Ter; replaces leucine 373 with a stop codon.
Molecular consequence: nonsense. On other transcripts: 5 prime UTR variant (1), non-coding transcript variant (1).
Genome position (GRCh38, 1-based): chr2:166,047,679, A>T on the plus strand (T>A on the coding strand, the complement: SCN1A is on the minus strand). VCF-style: chr2-166047679-A-T. GRCh37 (hg19) VCF-style: chr2-166904189-A-T.
Other names: c.1118T>A, p.Leu373Ter (NM_001165964.3, NM_001202435.3, NM_001353948.2 and 10 more transcripts); c.-1308T>A (NM_001353961.2); short protein forms L373*.
Identifiers: ClinVar variation 590199 (VCV000590199.5), dbSNP rs1553547448, ClinGen allele CA349071180.

ClinVar aggregate classification (germline): Pathogenic (1 of 4 stars; one submission).

Conditions:
Inborn genetic diseases. Identifiers: MedGen C0950123, MeSH D030342.

Submission:

Ambry Genetics
Classification: Pathogenic for Inborn genetic diseases. Last evaluated: 2016-12-09. Review status: criteria provided, single submitter. Criteria: Ambry Variant Classification Scheme 2023. Collection method: clinical testing. Allele origin: germline.
Comment: The p.L373* pathogenic mutation (also known as c.1118T>A), located in coding exon 8 of the SCN1A gene, results from a T to A substitution at nucleotide position 1118. This changes the amino acid from a leucine to a stop codon within coding exon 8. This alteration is expected to result in loss of function by premature protein truncation or nonsense-mediated mRNA decay. As such, this alteration is interpreted as a disease-causing mutation.